The following is an entry in ClinVar:

ClinVar aggregate classification (germline): Likely pathogenic (1 of 4 stars; one submission).

Conditions:
Glycogen storage disease type III (GSD3). Also called: FORBES DISEASE; Cori disease. Identifiers: Orphanet 366, MedGen C0017922, MONDO:0009291, OMIM 232400.

Submission:

Myriad Genetics, Inc.
Classification: Likely pathogenic for Glycogen storage disease type III. Last evaluated: 2022-03-20. Review status: criteria provided, single submitter. Criteria: Myriad Women's Health Autosomal Recessive and X-Linked Classification Criteria (2021). Collection method: clinical testing. Allele origin: unknown.
Comment: NM_000642.2(AGL):c.3223A>T(K1075*) is expected to be pathogenic in the context of glycogen storage disease type III. This variant is predicted to lead to an abnormal or absent protein product due to the creation of a premature termination codon in AGL, a gene where loss-of-function variants are known to be pathogenic. Please note: this variant was assessed in the context of healthy population screening.

NM_000642.3(AGL):c.3223A>T (p.Lys1075Ter)

Gene: AGL (amylo-alpha-1,6-glucosidase and 4-alpha-glucanotransferase; plus strand). Cytogenetic location: 1p21.2.
Variant type: single nucleotide variant.
Coding change: c.3223A>T on transcript NM_000642.3 (MANE Select); coding-DNA position 3223, A replaced by T.
Protein change: p.Lys1075Ter; replaces lysine 1075 with a stop codon.
Molecular consequence: nonsense.
Genome position (GRCh38, 1-based): chr1:99,892,571, A>T. VCF-style: chr1-99892571-A-T. GRCh37 (hg19) VCF-style: chr1-100358127-A-T.
Other names: c.3223A>T, p.Lys1075Ter (NM_000028.3, NM_000643.3, NM_000644.3 and 1 more transcripts); c.3175A>T, p.Lys1059Ter (NM_000646.3); c.3202A>T, p.Lys1068Ter (NM_001425326.1); c.3022A>T, p.Lys1008Ter (NM_001425327.1); c.3019A>T, p.Lys1007Ter (NM_001425328.1); c.2884A>T, p.Lys962Ter (NM_001425329.1); c.2845A>T, p.Lys949Ter (NM_001425332.1); short protein forms K1059*, K1075*, K1007*, K1008*, K1068*, K949*, K962*.
Identifiers: ClinVar variation 1725415 (VCV001725415.2), dbSNP rs2524732639, ClinGen allele CA341327175.